The following is an entry in ClinVar:

ClinVar aggregate classification (germline): Uncertain significance (1 of 4 stars; one submission).

Submission:

GeneDx
Classification: Uncertain significance. Last evaluated: 2025-10-06. Review status: criteria provided, single submitter. Criteria: GeneDx Variant Classification Process June 2021. Collection method: clinical testing. Allele origin: germline.
Comment: Not observed at significant frequency in large population cohorts (gnomAD); In silico analysis suggests that this missense variant does not alter protein structure/function; Has not been previously published as pathogenic or benign to our knowledge

NM_015047.3(EMC1):c.1239G>T (p.Lys413Asn)

Genes: EMC1 (ER membrane protein complex subunit 1; minus strand), EMC1-AS1 (EMC1 antisense RNA 1; plus strand). Cytogenetic location: 1p36.13.
Variant type: single nucleotide variant.
Coding change: c.1239G>T on transcript NM_015047.3 (MANE Select); coding-DNA position 1239, G replaced by T.
Protein change: p.Lys413Asn; replaces lysine 413 with asparagine.
Molecular consequence: missense variant.
Genome position (GRCh38, 1-based): chr1:19,237,212, C>A on the plus strand (G>T on the coding strand, the complement: EMC1 is on the minus strand). VCF-style: chr1-19237212-C-A. GRCh37 (hg19) VCF-style: chr1-19563706-C-A.
Other names: c.1236G>T, p.Lys412Asn (NM_001271427.2, NM_001375821.1); c.1239G>T, p.Lys413Asn (NM_001271428.2, NM_001375820.1); c.1173G>T, p.Lys391Asn (NM_001271429.2); short protein forms K391N, K412N, K413N.
Identifiers: ClinVar variation 4083000 (VCV004083000.2).